The following is an entry in ClinVar:

ClinVar aggregate classification (germline): Pathogenic/Likely pathogenic. Review status: criteria provided, multiple submitters, no conflicts (2 of 4 stars). 3 submissions from 3 submitters: Pathogenic (1); Likely pathogenic (1). 1 of the submissions does not count toward it. Last evaluated 2025-07-27.

Conditions:
Nephrotic syndrome, type 2 (NPHS2). Also called: NEPHROTIC SYNDROME, STEROID-RESISTANT, AUTOSOMAL RECESSIVE. Identifiers: Orphanet 656, MedGen C1868672, MONDO:0010974, OMIM 600995.

Submissions (3):

Labcorp Genetics (formerly Invitae), Labcorp
Classification: Pathogenic. Last evaluated: 2025-07-27. Review status: criteria provided, single submitter. Criteria: Invitae Variant Classification Sherloc (09022015). Collection method: clinical testing. Allele origin: germline.
Comment: This sequence change affects an acceptor splice site in intron 1 of the NPHS2 gene. It is expected to disrupt RNA splicing. Variants that disrupt the donor or acceptor splice site typically lead to a loss of protein function (PMID: 16199547), and loss-of-function variants in NPHS2 are known to be pathogenic (PMID: 10742096, 14701729, 15253708, 23595123). This variant is not present in population databases (gnomAD no frequency). Disruption of this splice site has been observed in individuals with NPHS2-related conditions (PMID: 15253708, 29474669; internal data). ClinVar contains an entry for this variant (Variation ID: 557752). Algorithms developed to predict the effect of sequence changes on RNA splicing suggest that this variant may disrupt the consensus splice site. For these reasons, this variant has been classified as Pathogenic.

Baylor Genetics
Classification: Likely pathogenic for Nephrotic syndrome, type 2. Last evaluated: 2024-03-26. Review status: criteria provided, single submitter. Criteria: ACMG Guidelines, 2015. Collection method: clinical testing. Allele origin: unknown.

Counsyl
Classification: Likely pathogenic for Nephrotic syndrome, type 2. Last evaluated: 2018-04-11. Review status: no assertion criteria provided. Collection method: clinical testing. Allele origin: unknown. Not counted in ClinVar's aggregate classification.

Literature cited by the submitters: PubMed 16199547 (cited by Labcorp Genetics (formerly Invitae), Labcorp); PubMed 10742096 (cited by Labcorp Genetics (formerly Invitae), Labcorp); PubMed 14701729 (cited by Labcorp Genetics (formerly Invitae), Labcorp); PubMed 15253708 (cited by Labcorp Genetics (formerly Invitae), Labcorp); PubMed 23595123 (cited by Labcorp Genetics (formerly Invitae), Labcorp); PubMed 29474669 (cited by Labcorp Genetics (formerly Invitae), Labcorp).

NM_014625.4(NPHS2):c.275-2A>G

Gene: NPHS2 (NPHS2 stomatin family member, podocin; minus strand). Cytogenetic location: 1q25.2.
Variant type: single nucleotide variant.
Coding change: c.275-2A>G on transcript NM_014625.4 (MANE Select); the canonical splice acceptor site of the intron before coding-DNA position 275, A replaced by G.
Molecular consequence: splice acceptor variant.
Genome position (GRCh38, 1-based): chr1:179,564,795, T>C on the plus strand (A>G on the coding strand, the complement: NPHS2 is on the minus strand). VCF-style: chr1-179564795-T-C. GRCh37 (hg19) VCF-style: chr1-179533930-T-C.
Other names: c.275-2A>G (NM_001297575.2).
Identifiers: ClinVar variation 557752 (VCV000557752.4), dbSNP rs1553315173, ClinGen allele CA343571198.